The following is an entry in ClinVar:

NM_000093.5(COL5A1):c.5354T>C (p.Leu1785Pro)

Genes: COL5A1 (collagen type V alpha 1 chain; plus strand), LOC101448202 (uncharacterized LOC101448202; minus strand). Cytogenetic location: 9q34.3.
Variant type: single nucleotide variant.
Coding change: c.5354T>C on transcript NM_000093.5 (MANE Select); coding-DNA position 5354, T replaced by C.
Protein change: p.Leu1785Pro; replaces leucine 1785 with proline.
Molecular consequence: missense variant.
Genome position (GRCh38, 1-based): chr9:134,835,188, T>C. VCF-style: chr9-134835188-T-C. GRCh37 (hg19) VCF-style: chr9-137727034-T-C.
Other names: c.5354T>C, p.Leu1785Pro (NM_001278074.1); short protein forms L1785P.
Identifiers: ClinVar variation 2150918 (VCV002150918.5), dbSNP rs760426656, ClinGen allele CA5320696.
Genomic context (GRCh38, chr9:134,835,188, plus strand): 5'-GCTTCCTGGGCTCCAACGACGAGGAGATGTCCTATGACAACAACCCCTACATCCGCGCCC[T>C]GGTGGACGGCTGTGCTGTGAGTATCCCGCGCCGCGCCCAGCACCCCTGCTCACGCCTCCG-3'
Protein context (NP_000084.3, residues 1775-1795): SYDNNPYIRA[Leu1785Pro]VDGCATKKGY

ClinVar aggregate classification (germline): Conflicting classifications of pathogenicity. Review status: criteria provided, conflicting classifications (1 of 4 stars). 2 submissions from 2 submitters: Uncertain significance (1); Benign (1). Last evaluated 2026-04-07.

Conditions:
COL5A1-related disorder. Also called: COL5A1-related condition.
Ehlers-Danlos syndrome, classic type, 1 (EDSCL1). Also called: EDS I; EHLERS-DANLOS SYNDROME, GRAVIS TYPE; EHLERS-DANLOS SYNDROME, SEVERE CLASSIC TYPE; Ehlers-Danlos syndrome, type 1; Ehlers-Danlos Syndrome, Classic Type, COL5A1-Related. Identifiers: MedGen C0268335, MONDO:0019567, OMIM 130000.

Allele frequency attached by ClinVar (database versions not stated): ExAC 0.00001; gnomAD 0.00001; gnomAD exomes 0.00001; TOPMed 0.00001.
gnomAD v4.1: 18 of 1,613,466 alleles (0.0011%); highest among the groups gnomAD compares: East Asian, 0.036%; no homozygotes.

Submissions (2):

PreventionGenetics, part of Exact Sciences
Classification: Uncertain significance for COL5A1-related condition. Last evaluated: 2026-04-07. Review status: criteria provided, single submitter. Criteria: ACMG Guidelines, 2015. Collection method: clinical testing. Allele origin: germline.
Comment: The COL5A1 c.5354T>C variant is predicted to result in the amino acid substitution p.Leu1785Pro. This variant has been reported in an individual with keratoconus (Table S2, Song et al. 2024. PubMed ID: 38908538). This variant is present in 0.011% of alleles in individuals of East Asian descent in gnomAD. At this time, the clinical significance of this variant is uncertain due to the absence of conclusive functional and genetic evidence.

Labcorp Genetics (formerly Invitae), Labcorp
Classification: Benign for Ehlers-Danlos syndrome, classic type, 1. Last evaluated: 2022-06-13. Review status: criteria provided, single submitter. Criteria: Invitae Variant Classification Sherloc (09022015). Collection method: clinical testing. Allele origin: germline.